The following is an entry in ClinVar:

NM_015192.4(PLCB1):c.1678+97A>C

Gene: PLCB1 (phospholipase C beta 1; plus strand). Cytogenetic location: 20p12.3.
Variant type: single nucleotide variant.
Coding change: c.1678+97A>C on transcript NM_015192.4 (MANE Select); 97 bases into the intron after coding-DNA position 1678, A replaced by C.
Molecular consequence: intron variant.
Genome position (GRCh38, 1-based): chr20:8,724,849, A>C. VCF-style: chr20-8724849-A-C. GRCh37 (hg19) VCF-style: chr20-8705496-A-C.
Other names: c.1678+97A>C (NM_182734.3).
Identifiers: ClinVar variation 1268013 (VCV001268013.5), dbSNP rs6056043, ClinGen allele CA14851829.

ClinVar aggregate classification (germline): Benign. Review status: criteria provided, multiple submitters, no conflicts (2 of 4 stars). 3 submissions from 3 submitters: Benign (3). Last evaluated 2024-07-15.

Allele frequency attached by ClinVar (database versions not stated): gnomAD exomes 0.90759; TOPMed 0.92718; 1000 Genomes Project 0.94788; 1000 Genomes Project 30x 0.94816.
gnomAD v4.1: 612,169 of 671,354 alleles (91%); highest among the groups gnomAD compares: East Asian, 100%; 279,566 homozygotes.

Submissions (3):

Unidad de Genómica Garrahan, Hospital de Pediatría Garrahan
Classification: Benign. Last evaluated: 2024-07-15. Review status: criteria provided, single submitter. Criteria: ACMG Guidelines, 2015. Collection method: clinical testing. Allele origin: germline. Affected: no. Observed: 70 variant alleles.
Comment: This variant is classified as Benign based on local population frequency. This variant was detected in 75% of patients studied in a panel designed for Epileptic and Developmental Encephalopathy and Progressive Myoclonus Epilepsy. Number of patients: 70. Only high quality variants are reported.

GeneDx
Classification: Benign. Last evaluated: 2020-11-20. Review status: criteria provided, single submitter. Criteria: GeneDx Variant Classification Process June 2021. Collection method: clinical testing. Allele origin: germline. Affected: yes.

Breakthrough Genomics
Classification: Benign. Review status: criteria provided, single submitter. Criteria: ACMG Guidelines, 2015. Collection method: not provided. Allele origin: germline. Inheritance: Autosomal recessive inheritance. Affected: yes.